The following is an entry in ClinVar:

ClinVar aggregate classification (germline): Uncertain significance. Review status: criteria provided, multiple submitters, no conflicts (2 of 4 stars). 5 submissions from 5 submitters: Uncertain significance (5). Last evaluated 2026-03-12.

Conditions:
RAX2-related disorder. Also called: RAX2-related disorders; RAX2-related condition.

Allele frequency attached by ClinVar (database versions not stated): gnomAD 0.00007 and 0.00009; TOPMed 0.00012.
gnomAD v4.1: 34 of 1,535,496 alleles (0.0022%); highest among the groups gnomAD compares: African/African-American, 0.029%; no homozygotes.

Submissions (5):

PreventionGenetics, part of Exact Sciences
Classification: Uncertain significance for RAX2-related condition. Last evaluated: 2026-03-12. Review status: criteria provided, single submitter. Criteria: ACMG Guidelines, 2015. Collection method: clinical testing. Allele origin: germline.
Comment: The RAX2 c.491C>T variant is predicted to result in the amino acid substitution p.Ala164Val. To our knowledge, this variant has not been reported in the literature. This variant is reported in 0.032% of alleles in individuals of African descent in gnomAD. At this time, the clinical significance of this variant is uncertain due to the absence of conclusive functional and genetic evidence.

Labcorp Genetics (formerly Invitae), Labcorp
Classification: Uncertain significance. Last evaluated: 2026-01-27. Review status: criteria provided, single submitter. Criteria: Invitae Variant Classification Sherloc (09022015). Collection method: clinical testing. Allele origin: germline.
Comment: This sequence change replaces alanine, which is neutral and non-polar, with valine, which is neutral and non-polar, at codon 164 of the RAX2 protein (p.Ala164Val). This variant is present in population databases (rs771442676, gnomAD 0.03%). This missense change has been observed in individuals with retinitis pigmentosa (internal data). ClinVar contains an entry for this variant (Variation ID: 862070). An algorithm developed to predict the effect of missense changes on protein structure and function (PolyPhen-2) suggests that this variant is likely to be tolerated. In summary, the available evidence is currently insufficient to determine the role of this variant in disease. Therefore, it has been classified as a Variant of Uncertain Significance.

Ambry Genetics
Classification: Uncertain significance. Last evaluated: 2025-11-13. Review status: criteria provided, single submitter. Criteria: Ambry Variant Classification Scheme 2023. Collection method: clinical testing. Allele origin: germline.

Dasa
Classification: Uncertain significance. Last evaluated: 2024-12-02. Review status: criteria provided, single submitter. Criteria: DASA Assertion Criteria. Collection method: clinical testing. Allele origin: germline.
Comment: NM_001319074.4(RAX2):c.491C>T (p.Ala164Val) is a missense variant that results in the substitution of alanine with valine. This variant is rare in population databases. Computational prediction algorithms are consistent with a benign effect. The currently available literature and clinical evidence are not sufficient to establish a definitive association between this variant and the reported condition. Therefore, this variant is classified as a variant of uncertain significance.

Blueprint Genetics
Classification: Uncertain significance. Last evaluated: 2024-09-18. Review status: criteria provided, single submitter. Criteria: ACMG Guidelines, 2015. Collection method: clinical testing. Allele origin: germline.

NM_001319074.4(RAX2):c.491C>T (p.Ala164Val)

Gene: RAX2 (retina and anterior neural fold homeobox 2; minus strand). Cytogenetic location: 19p13.3.
Variant type: single nucleotide variant.
Coding change: c.491C>T on transcript NM_001319074.4 (MANE Select); coding-DNA position 491, C replaced by T.
Protein change: p.Ala164Val; replaces alanine 164 with valine.
Molecular consequence: missense variant.
Genome position (GRCh38, 1-based): chr19:3,770,685, G>A on the plus strand (C>T on the coding strand, the complement: RAX2 is on the minus strand). VCF-style: chr19-3770685-G-A. GRCh37 (hg19) VCF-style: chr19-3770683-G-A.
Other names: c.491C>T, p.Ala164Val (NM_032753.4); short protein forms A164V.
Identifiers: ClinVar variation 862070 (VCV000862070.12), dbSNP rs771442676, ClinGen allele CA9085030.
Genomic context (GRCh38, chr19:3,770,685, plus strand): 5'-GCTGGCGGCCAGGCCCTGTCCAGAGCCTGTGCATGTTCCTTGGCCAGCAGCCGCAGGGAC[G>A]CCTCCTCCAGGGCGAAGCCATCTGCGAAGGTGGGAGCAAAGGCATGAGGCCCGAAGGACG-3'
Protein context (NP_001306003.2, residues 154-174): TFADGFALEE[Ala164Val]SLRLLAKEHA